The following is an entry in ClinVar:

ClinVar aggregate classification (germline): Benign (3 of 4 stars; one submission).

Conditions:
Breast-ovarian cancer, familial, susceptibility to, 2 (BROVCA2). Also called: BRCA2 Hereditary Breast and Ovarian Cancer. Identifiers: Orphanet 145, MedGen C2675520, MONDO:0012933, OMIM 612555. Disease mechanism: loss of function.

Allele frequency attached by ClinVar (database versions not stated): gnomAD 0.03640 and 0.04044; TOPMed 0.04166; 1000 Genomes Project 0.07348; 1000 Genomes Project 30x 0.07355.
gnomAD v4.1: 6,164 of 152,302 alleles (4%); highest among the groups gnomAD compares: South Asian, 11%; 213 homozygotes.

Submission:

Evidence-based Network for the Interpretation of Germline Mutant Alleles (ENIGMA)
Classification: Benign for Breast-ovarian cancer, familial 2. Last evaluated: 2015-01-12. Review status: reviewed by expert panel. Criteria: ENIGMA BRCA1/2 Classification Criteria (2015). Collection method: curation. Allele origin: germline.
Comment: Class 1 not pathogenic based on frequency >1% in an outbred sampleset. Frequency 0.1049 (Asian), 0.01423 (African), 0.03694 (European), derived from 1000 genomes (2012-04-30).

NM_000059.4(BRCA2):c.9257-1580A>C

Gene: BRCA2 (BRCA2 DNA repair associated; plus strand). Cytogenetic location: 13q13.1.
Variant type: single nucleotide variant.
Coding change: c.9257-1580A>C on transcript NM_000059.4 (MANE Select); 1580 bases into the intron before coding-DNA position 9257, A replaced by C.
Molecular consequence: intron variant.
Genome position (GRCh38, 1-based): chr13:32,393,109, A>C. VCF-style: chr13-32393109-A-C. GRCh37 (hg19) VCF-style: chr13-32967246-A-C.
Other names: IVS 24-1580A>C.
Identifiers: ClinVar variation 209900 (VCV000209900.1), dbSNP rs11571813, ClinGen allele CA276868.
Genomic context (GRCh38, chr13:32,393,109, plus strand): 5'-CAAGACTACCACTGAAGTGATGATGTGTCTTTCTCAGTACATCATATCAAGGGGTTAATG[A>C]TACTGATCTTAATCACTTGATTAAGGTGATAATCTGCTGGGTTTCTCCTCTGTACAATAA-3'